The following is an entry in ClinVar:

ClinVar aggregate classification (germline): Uncertain significance. Review status: criteria provided, multiple submitters, no conflicts (2 of 4 stars). 2 submissions from 2 submitters: Uncertain significance (2). Last evaluated 2025-12-02.

Conditions:
Inborn genetic diseases. Identifiers: MedGen C0950123, MeSH D030342.
Bethlem myopathy 1A. Also called: Bethlem Muscular Dystrophy; MYOPATHY, BENIGN CONGENITAL, WITH CONTRACTURES; Bethlem myopathy 1. Identifiers: Orphanet 610, MedGen CN029274, MONDO:0024530, OMIM 158810.

Allele frequency attached by ClinVar (database versions not stated): gnomAD exomes below 0.00001 and 0.00001; ExAC 0.00001; gnomAD 0.00002 and 0.00003; TOPMed 0.00003.
gnomAD v4.1: 19 of 1,609,280 alleles (0.0012%); highest among the groups gnomAD compares: Admixed American, 0.01%; no homozygotes.

Submissions (2):

Ambry Genetics
Classification: Uncertain significance for Inborn genetic diseases. Last evaluated: 2025-12-02. Review status: criteria provided, single submitter. Criteria: Ambry Variant Classification Scheme 2023. Collection method: clinical testing. Allele origin: germline.

Labcorp Genetics (formerly Invitae), Labcorp
Classification: Uncertain significance for Bethlem myopathy 1A. Last evaluated: 2023-07-10. Review status: criteria provided, single submitter. Criteria: Invitae Variant Classification Sherloc (09022015). Collection method: clinical testing. Allele origin: germline.
Comment: In summary, the available evidence is currently insufficient to determine the role of this variant in disease. Therefore, it has been classified as a Variant of Uncertain Significance. Advanced modeling of protein sequence and biophysical properties (such as structural, functional, and spatial information, amino acid conservation, physicochemical variation, residue mobility, and thermodynamic stability) performed at Invitae indicates that this missense variant is expected to disrupt COL6A2 protein function. ClinVar contains an entry for this variant (Variation ID: 476489). This variant has not been reported in the literature in individuals affected with COL6A2-related conditions. This variant is present in population databases (rs769456044, gnomAD no frequency). This sequence change replaces glycine, which is neutral and non-polar, with serine, which is neutral and polar, at codon 163 of the COL6A2 protein (p.Gly163Ser).

NM_001849.4(COL6A2):c.487G>A (p.Gly163Ser)

Gene: COL6A2 (collagen type VI alpha 2 chain; plus strand). Cytogenetic location: 21q22.3.
Variant type: single nucleotide variant.
Coding change: c.487G>A on transcript NM_001849.4 (MANE Select); coding-DNA position 487, G replaced by A.
Protein change: p.Gly163Ser; replaces glycine 163 with serine.
Molecular consequence: missense variant.
Genome position (GRCh38, 1-based): chr21:46,112,350, G>A. VCF-style: chr21-46112350-G-A. GRCh37 (hg19) VCF-style: chr21-47532264-G-A.
Other names: c.487G>A, p.Gly163Ser (NM_058174.3, NM_058175.3); short protein forms G163S.
Identifiers: ClinVar variation 476489 (VCV000476489.8), dbSNP rs769456044, ClinGen allele CA10071310.